The following is an entry in ClinVar:

ClinVar aggregate classification (germline): Likely benign. Review status: criteria provided, multiple submitters, no conflicts (2 of 4 stars). 5 submissions from 5 submitters: Likely benign (5). Last evaluated 2025-12-22.

Conditions:
CFTR-related disorder (CFTR-RD). Also called: CFTR-related disorders; CFTR-related condition. Identifiers: MedGen C5924204, MONDO:7770004.
Cystic fibrosis (CF). Also called: MUCOVISCIDOSIS. Identifiers: Orphanet 586, MedGen C0010674, MONDO:0009061, OMIM 219700. Disease mechanism: loss of function.

Allele frequency attached by ClinVar (database versions not stated): gnomAD 0.00001; gnomAD exomes 0.00001 and 0.00002; ExAC 0.00002.
gnomAD v4.1: 11 of 1,613,274 alleles (0.00068%); highest among the groups gnomAD compares: Non-Finnish European, 0.00093%; no homozygotes.

Submissions (5):

PreventionGenetics, part of Exact Sciences
Classification: Likely benign for CFTR-related condition. Last evaluated: 2025-12-22. Review status: criteria provided, single submitter. Criteria: ACMG Guidelines, 2015. Collection method: clinical testing. Allele origin: germline.
Comment: This variant is classified as likely benign based on ACMG/AMP sequence variant interpretation guidelines (Richards et al. 2015 PMID: 25741868, with internal and published modifications).

Labcorp Genetics (formerly Invitae), Labcorp
Classification: Likely benign for Cystic fibrosis. Last evaluated: 2024-08-28. Review status: criteria provided, single submitter. Criteria: Invitae Variant Classification Sherloc (09022015). Collection method: clinical testing. Allele origin: germline.

Women's Health and Genetics/Laboratory Corporation of America, LabCorp
Classification: Likely benign. Last evaluated: 2023-12-19. Review status: criteria provided, single submitter. Criteria: LabCorp Variant Classification Summary - May 2015. Collection method: clinical testing. Allele origin: germline.

Blueprint Genetics
Classification: Likely benign. Last evaluated: 2023-06-08. Review status: criteria provided, single submitter. Criteria: ACMG Guidelines, 2015. Collection method: clinical testing. Allele origin: germline.

Ambry Genetics
Classification: Likely benign for Cystic fibrosis. Last evaluated: 2019-08-29. Review status: criteria provided, single submitter. Criteria: Ambry Variant Classification Scheme 2023. Collection method: clinical testing. Allele origin: germline.

NM_000492.4(CFTR):c.1287C>T (p.Phe429=)

Genes: CFTR (CF transmembrane conductance regulator; plus strand), CFTR-AS1 (CFTR antisense RNA 1; minus strand). Cytogenetic location: 7q31.2.
Variant type: single nucleotide variant.
Coding change: c.1287C>T on transcript NM_000492.4 (MANE Select); coding-DNA position 1287, C replaced by T.
Protein change: p.Phe429=; no amino-acid change (phenylalanine 429 retained).
Molecular consequence: synonymous variant.
Genome position (GRCh38, 1-based): chr7:117,548,718, C>T. VCF-style: chr7-117548718-C-T. GRCh37 (hg19) VCF-style: chr7-117188772-C-T.
Identifiers: ClinVar variation 774062 (VCV000774062.14), dbSNP rs763577850, ClinGen allele CA4450967.